The following is an entry in ClinVar:

ClinVar aggregate classification (germline): Likely pathogenic. Review status: criteria provided, multiple submitters, no conflicts (2 of 4 stars). 4 submissions from 4 submitters: Likely pathogenic (3). 1 of the submissions does not count toward it. Last evaluated 2025-04-15.

Conditions:
MYO7A-related disorder. Also called: MYO7A-related disorders.
Rare genetic deafness. Identifiers: Orphanet 96210, MedGen C5680250.
Usher syndrome type 1B (USH1B). Also called: Usher syndrome type IB. Identifiers: MedGen C1848638, MONDO:0700087.

Allele frequency attached by ClinVar (database versions not stated): gnomAD exomes below 0.00001.
gnomAD v4.1: 2 of 1,603,196 alleles (0.00012%); highest among the groups gnomAD compares: Non-Finnish European, 0.00017%; no homozygotes.

Submissions (4):

Natera, Inc.
Classification: Likely pathogenic for Usher syndrome type 1B. Last evaluated: 2025-04-15. Review status: criteria provided, single submitter. Criteria: Natera Variant Classification Schema (03/2026). Collection method: clinical testing. Allele origin: germline.
Comment: The c.1370C>T variant in MYO7A is a missense variant predicted to cause substitution of alanine to valine at amino acid 457. This variant is rare in the general population with a frequency below the threshold expected for the associated phenotype(s). This variant has been observed in one or more individuals affected with the associated recessive disease, as either homozygous or compound heterozygous with a second variant (PMID: 33089500, 17407589). Computational prediction algorithms indicate this variant is likely to affect gene or protein function. Given the available evidence, this variant is classified as Likely Pathogenic.

Labcorp Genetics (formerly Invitae), Labcorp
Classification: Likely pathogenic. Last evaluated: 2022-05-27. Review status: criteria provided, single submitter. Criteria: Invitae Variant Classification Sherloc (09022015). Collection method: clinical testing. Allele origin: germline.
Comment: This sequence change replaces alanine, which is neutral and non-polar, with valine, which is neutral and non-polar, at codon 457 of the MYO7A protein (p.Ala457Val). This variant is not present in population databases (gnomAD no frequency). This missense change has been observed in individuals with autosomal recessive Usher syndrome (PMID: 10930322, 17407589, 21569298, 33089500). ClinVar contains an entry for this variant (Variation ID: 43144). Advanced modeling of protein sequence and biophysical properties (such as structural, functional, and spatial information, amino acid conservation, physicochemical variation, residue mobility, and thermodynamic stability) performed at Invitae indicates that this missense variant is not expected to disrupt MYO7A protein function. In summary, the currently available evidence indicates that the variant is pathogenic, but additional data are needed to prove that conclusively. Therefore, this variant has been classified as Likely Pathogenic.

Blueprint Genetics
Classification: Likely pathogenic for MYO7A-related disorders. Last evaluated: 2021-07-12. Review status: criteria provided, single submitter. Criteria: ACMG Guidelines, 2015. Collection method: clinical testing. Allele origin: germline. Affected: yes. Observed: 3 variant alleles.

Laboratory for Molecular Medicine, Mass General Brigham Personalized Medicine
Classification: Likely pathogenic for Rare genetic deafness. Last evaluated: 2007-08-22. Review status: no assertion criteria provided. Collection method: clinical testing. Allele origin: germline. Observed: 1 variant allele. Not counted in ClinVar's aggregate classification.

Literature cited by the submitters: PubMed 33089500 (cited by Natera, Inc. and Labcorp Genetics (formerly Invitae), Labcorp); PubMed 17407589 (cited by 3 submitters); PubMed 10930322 (cited by Labcorp Genetics (formerly Invitae), Labcorp and Laboratory for Molecular Medicine, Mass General Brigham Personalized Medicine); PubMed 21569298 (cited by Labcorp Genetics (formerly Invitae), Labcorp); PubMed 16963483 (cited by Laboratory for Molecular Medicine, Mass General Brigham Personalized Medicine).

NM_000260.4(MYO7A):c.1370C>T (p.Ala457Val)

Gene: MYO7A (myosin VIIA; plus strand). Cytogenetic location: 11q13.5.
Variant type: single nucleotide variant.
Coding change: c.1370C>T on transcript NM_000260.4 (MANE Select); coding-DNA position 1370, C replaced by T.
Protein change: p.Ala457Val; replaces alanine 457 with valine.
Molecular consequence: missense variant.
Genome position (GRCh38, 1-based): chr11:77,162,146, C>T. VCF-style: chr11-77162146-C-T. GRCh37 (hg19) VCF-style: chr11-76873192-C-T.
Other names: c.1370C>T, p.Ala457Val (NM_001127180.2); c.1337C>T, p.Ala446Val (NM_001369365.1); short protein forms A457V, A446V.
Identifiers: ClinVar variation 43144 (VCV000043144.12), dbSNP rs111033286, ClinGen allele CA278624.